The following is an entry in ClinVar:

ClinVar aggregate classification (germline): Likely benign (1 of 4 stars; one submission).

Conditions:
IFT172-related disorder. Also called: IFT172-related disorders; IFT172-related condition.

Submission:

PreventionGenetics, part of Exact Sciences
Classification: Likely benign for IFT172-related condition. Last evaluated: 2025-01-03. Review status: criteria provided, single submitter. Criteria: ACMG Guidelines, 2015. Collection method: clinical testing. Allele origin: germline.
Comment: This variant is classified as likely benign based on ACMG/AMP sequence variant interpretation guidelines (Richards et al. 2015 PMID: 25741868, with internal and published modifications).

NM_015662.3(IFT172):c.4540-8T>C

Gene: IFT172 (intraflagellar transport 172; minus strand). Cytogenetic location: 2p23.3.
Variant type: single nucleotide variant.
Coding change: c.4540-8T>C on transcript NM_015662.3 (MANE Select); 8 bases into the intron before coding-DNA position 4540, T replaced by C.
Molecular consequence: intron variant.
Genome position (GRCh38, 1-based): chr2:27,447,642, A>G on the plus strand (T>C on the coding strand, the complement: IFT172 is on the minus strand). VCF-style: chr2-27447642-A-G. GRCh37 (hg19) VCF-style: chr2-27670509-A-G.
Other names: c.4474-8T>C (NM_001410739.1).
Identifiers: ClinVar variation 4982550 (VCV004982550.1).